The following is an entry in ClinVar:

NM_001366521.1(ATP2B1):c.2819T>G (p.Leu940Arg)

Gene: ATP2B1 (ATPase plasma membrane Ca2+ transporting 1; minus strand). Cytogenetic location: 12q21.33.
Variant type: single nucleotide variant.
Coding change: c.2819T>G on transcript NM_001366521.1 (MANE Select); coding-DNA position 2819, T replaced by G.
Protein change: p.Leu940Arg; replaces leucine 940 with arginine.
Molecular consequence: missense variant.
Genome position (GRCh38, 1-based): chr12:89,603,741, A>C on the plus strand (T>G on the coding strand, the complement: ATP2B1 is on the minus strand). VCF-style: chr12-89603741-A-C. GRCh37 (hg19) VCF-style: chr12-89997518-A-C.
Other names: c.2819T>G, p.Leu940Arg (NM_001001323.2, NM_001366520.1, NM_001366522.1 and 12 more transcripts); c.2621T>G, p.Leu874Arg (NM_001366530.1, NM_001413053.1); c.2258T>G, p.Leu753Arg (NM_001366531.1, NM_001366532.1, NM_001413058.1 and 2 more transcripts); c.2780T>G, p.Leu927Arg (NM_001413048.1); c.2678T>G, p.Leu893Arg (NM_001413051.1, NM_001413052.1, NM_001413055.1); c.2576T>G, p.Leu859Arg (NM_001413054.1); c.2564T>G, p.Leu855Arg (NM_001413056.1); c.2366T>G, p.Leu789Arg (NM_001413057.1); short protein forms L753R, L789R, L855R, L859R, L874R, L893R, L927R, L940R.
Identifiers: ClinVar variation 2505715 (VCV002505715.1), dbSNP rs2540796453, ClinGen allele CA386002753.

ClinVar aggregate classification (germline): Uncertain significance (1 of 4 stars; one submission).

Submission:

GeneDx
Classification: Uncertain significance. Last evaluated: 2022-12-13. Review status: criteria provided, single submitter. Criteria: GeneDx Variant Classification Process June 2021. Collection method: clinical testing. Allele origin: germline. Affected: yes.
Comment: Not observed at significant frequency in large population cohorts (gnomAD); In silico analysis supports that this missense variant has a deleterious effect on protein structure/function; Has not been previously published as pathogenic or benign to our knowledge